The following is an entry in ClinVar:

NM_005051.3(QARS1):c.1156C>T (p.Leu386Phe)

Gene: QARS1 (glutaminyl-tRNA synthetase 1; minus strand). Cytogenetic location: 3p21.31.
Variant type: single nucleotide variant.
Coding change: c.1156C>T on transcript NM_005051.3 (MANE Select); coding-DNA position 1156, C replaced by T.
Protein change: p.Leu386Phe; replaces leucine 386 with phenylalanine.
Molecular consequence: missense variant. On other transcripts: non-coding transcript variant (1).
Genome position (GRCh38, 1-based): chr3:49,100,198, G>A on the plus strand (C>T on the coding strand, the complement: QARS1 is on the minus strand). VCF-style: chr3-49100198-G-A. GRCh37 (hg19) VCF-style: chr3-49137631-G-A.
Other names: c.1123C>T, p.Leu375Phe (NM_001272073.2); short protein forms L375F, L386F.
Identifiers: ClinVar variation 1470120 (VCV001470120.7), dbSNP rs1291156079, ClinGen allele CA352709956.

ClinVar aggregate classification (germline): Uncertain significance (1 of 4 stars; one submission).

Conditions:
Diffuse cerebral and cerebellar atrophy - intractable seizures - progressive microcephaly syndrome. Also called: Microcephaly, progressive, with seizures and cerebral and cerebellar atrophy. Identifiers: Orphanet 404437, MedGen C4014239, MONDO:0014335, OMIM 615760.

Allele frequency attached by ClinVar (database versions not stated): gnomAD exomes below 0.00001.
gnomAD v4.1: 1 of 1,614,236 alleles (0.000062%); highest among the groups gnomAD compares: South Asian, 0.0011%; no homozygotes.

Submission:

Labcorp Genetics (formerly Invitae), Labcorp
Classification: Uncertain significance for Diffuse cerebral and cerebellar atrophy - intractable seizures - progressive microcephaly syndrome. Last evaluated: 2024-02-16. Review status: criteria provided, single submitter. Criteria: Invitae Variant Classification Sherloc (09022015). Collection method: clinical testing. Allele origin: germline.
Comment: This sequence change replaces leucine, which is neutral and non-polar, with phenylalanine, which is neutral and non-polar, at codon 386 of the QARS protein (p.Leu386Phe). This variant is not present in population databases (gnomAD no frequency). This variant has not been reported in the literature in individuals affected with QARS-related conditions. ClinVar contains an entry for this variant (Variation ID: 1470120). Advanced modeling of protein sequence and biophysical properties (such as structural, functional, and spatial information, amino acid conservation, physicochemical variation, residue mobility, and thermodynamic stability) has been performed at Invitae for this missense variant, however the output from this modeling did not meet the statistical confidence thresholds required to predict the impact of this variant on QARS protein function. In summary, the available evidence is currently insufficient to determine the role of this variant in disease. Therefore, it has been classified as a Variant of Uncertain Significance.